The following is an entry in ClinVar:

ClinVar aggregate classification (germline): Uncertain significance (1 of 4 stars; one submission).

Conditions:
Amelocerebrohypohidrotic syndrome (KTZS). Also called: Kohlschutter's syndrome; EPILEPSY AND YELLOW TEETH; EPILEPSY, DEMENTIA, AND AMELOGENESIS IMPERFECTA; KOHLSCHUTTER SYNDROME. Identifiers: Orphanet 1946, MedGen C0406740, MONDO:0009185, OMIM 226750.

Allele frequency attached by ClinVar (database versions not stated): gnomAD 0.00001 and 0.00002; TOPMed 0.00001; ExAC 0.00003; 1000 Genomes Project 0.00040; 1000 Genomes Project 30x 0.00047.
gnomAD v4.1: 5 of 1,614,062 alleles (0.00031%); highest among the groups gnomAD compares: African/African-American, 0.004%; 1 homozygote.

Submission:

Labcorp Genetics (formerly Invitae), Labcorp
Classification: Uncertain significance for Amelocerebrohypohidrotic syndrome. Last evaluated: 2021-08-26. Review status: criteria provided, single submitter. Criteria: Invitae Variant Classification Sherloc (09022015). Collection method: clinical testing. Allele origin: germline.
Comment: This sequence change replaces asparagine with lysine at codon 197 of the ROGDI protein (p.Asn197Lys). The asparagine residue is moderately conserved and there is a moderate physicochemical difference between asparagine and lysine. This variant is present in population databases (rs551129970, ExAC 0.02%), including at least one homozygous and/or hemizygous individual. This variant has not been reported in the literature in individuals affected with ROGDI-related conditions. Algorithms developed to predict the effect of missense changes on protein structure and function are either unavailable or do not agree on the potential impact of this missense change (SIFT: "Tolerated"; PolyPhen-2: "Possibly Damaging"; Align-GVGD: "Class C0"). Algorithms developed to predict the effect of sequence changes on RNA splicing suggest that this variant may create or strengthen a splice site. In summary, the available evidence is currently insufficient to determine the role of this variant in disease. Therefore, it has been classified as a Variant of Uncertain Significance.

NM_024589.3(ROGDI):c.591C>G (p.Asn197Lys)

Gene: ROGDI (rogdi atypical leucine zipper; minus strand). Cytogenetic location: 16p13.3.
Variant type: single nucleotide variant.
Coding change: c.591C>G on transcript NM_024589.3 (MANE Select); coding-DNA position 591, C replaced by G.
Protein change: p.Asn197Lys; replaces asparagine 197 with lysine.
Molecular consequence: missense variant. On other transcripts: non-coding transcript variant (1).
Genome position (GRCh38, 1-based): chr16:4,798,125, G>C on the plus strand (C>G on the coding strand, the complement: ROGDI is on the minus strand). VCF-style: chr16-4798125-G-C. GRCh37 (hg19) VCF-style: chr16-4848126-G-C.
Other names: short protein forms N197K.
Identifiers: ClinVar variation 1376104 (VCV001376104.5), dbSNP rs551129970, ClinGen allele CA7882621.